The following is an entry in ClinVar:

NM_000053.4(ATP7B):c.3557-6C>T

Gene: ATP7B (ATPase copper transporting beta; minus strand). Cytogenetic location: 13q14.3.
Variant type: single nucleotide variant.
Coding change: c.3557-6C>T on transcript NM_000053.4 (MANE Select); 6 bases into the intron before coding-DNA position 3557, C replaced by T.
Molecular consequence: intron variant.
Genome position (GRCh38, 1-based): chr13:51,939,199, G>A on the plus strand (C>T on the coding strand, the complement: ATP7B is on the minus strand). VCF-style: chr13-51939199-G-A. GRCh37 (hg19) VCF-style: chr13-52513335-G-A.
Other names: p.?; c.3224-6C>T (NM_001243182.2); c.2936-6C>T (NM_001005918.3); c.3305-6C>T (NM_001330579.2); c.3323-6C>T (NM_001330578.2).
Identifiers: ClinVar variation 35722 (VCV000035722.77), dbSNP rs140708492, ClinGen allele CA260142.
Genomic context (GRCh38, chr13:51,939,199, plus strand): 5'-AGGGCAGCCTCCTGCTTGACAGCGTCTGCGATTGCGATCATCCCACAGAGCACACCTGGA[G>A]CGAACCAGCCAGCATCAGCAGCTACACAAGTTGGGGCACCCCGCACCAAGATACCACACT-3'

ClinVar aggregate classification (germline): Conflicting classifications of pathogenicity. Review status: criteria provided, conflicting classifications (1 of 4 stars). 17 submissions from 17 submitters: Uncertain significance (3); Benign (2); Likely benign (8). 4 of the submissions do not count toward it. Last evaluated 2026-10-01.

Conditions:
Wilson disease (WND). Also called: Wilson's disease. Identifiers: Orphanet 905, MedGen C0019202, MONDO:0010200, OMIM 277900. Disease mechanism: loss of function.

Allele frequency attached by ClinVar (database versions not stated): gnomAD exomes 0.00255 and 0.00398; gnomAD 0.00275 and 0.00314; 1000 Genomes Project 0.00319; ESP Exome Variant Server 0.00225; ExAC 0.00264; 1000 Genomes Project 30x 0.00297; TOPMed 0.00360.
gnomAD v4.1: 6,192 of 1,612,598 alleles (0.38%); highest among the groups gnomAD compares: Non-Finnish European, 0.45%; 21 homozygotes.

Submissions (17):

CeGaT Center for Human Genetics Tuebingen
Classification: Likely benign. Last evaluated: 2026-10-01. Review status: criteria provided, single submitter. Criteria: CeGaT Center For Human Genetics Tuebingen Variant Classification Criteria Version 2. Collection method: clinical testing. Allele origin: germline. Affected: yes. Observed: 38 variant alleles.
Comment: ATP7B: BP4, BS2

Labcorp Genetics (formerly Invitae), Labcorp
Classification: Benign for Wilson disease. Last evaluated: 2026-02-04. Review status: criteria provided, single submitter. Criteria: Invitae Variant Classification Sherloc (09022015). Collection method: clinical testing. Allele origin: germline.

Mayo Clinic Laboratories, Mayo Clinic
Classification: Likely benign. Last evaluated: 2025-11-06. Review status: criteria provided, single submitter. Criteria: ACMG Guidelines, 2015. Collection method: clinical testing. Allele origin: germline. Observed: 15 variant alleles.
Comment: BS1, BP4, BP7

Color Diagnostics, LLC DBA Color Health
Classification: Likely benign for Wilson disease. Last evaluated: 2025-06-04. Review status: criteria provided, single submitter. Criteria: ACMG Guidelines, 2015. Collection method: clinical testing. Allele origin: germline.

ARUP Laboratories, Molecular Genetics and Genomics, ARUP Laboratories
Classification: Benign for Wilson disease. Last evaluated: 2025-04-28. Review status: criteria provided, single submitter. Criteria: ARUP Molecular Germline Variant Investigation Process 2024. Collection method: clinical testing. Allele origin: germline.

Blueprint Genetics
Classification: Likely benign. Last evaluated: 2024-11-21. Review status: criteria provided, single submitter. Criteria: ACMG Guidelines, 2015. Collection method: clinical testing. Allele origin: germline.

Lildballe Lab, Aarhus University Hospital
Classification: Likely benign for Wilson disease. Last evaluated: 2024-08-29. Review status: criteria provided, single submitter. Criteria: ACMG Guidelines, 2015. Collection method: clinical testing. Allele origin: germline. Affected: yes.
Comment: BS1, BS2,BP4

All of Us Research Program, National Institutes of Health
Classification: Uncertain significance for Wilson disease. Last evaluated: 2024-02-05. Review status: criteria provided, single submitter. Criteria: ACMG Guidelines, 2015. Collection method: clinical testing. Allele origin: germline. Inheritance: Autosomal recessive inheritance. Observed: 707 variant alleles, 705 heterozygotes, 2 homozygotes.
Comment: This variant causes a C to T nucleotide substitution at the -6 position of intron 16 of the ATP7B gene. Splice site prediction tools indicate that this variant may activate a cryptic splice donor site 12 nucleotides upstream of the native intron 16 splice donor site. To our knowledge, functional studies have not been reported for this variant. This variant has been reported in a cohort of individuals affected with Wilson disease, however, the authors described this variant as non-disease causing (PMID: 24094725). This variant has been identified in 706/279290 chromosomes in the general population by the Genome Aggregation Database (gnomAD). The available evidence is insufficient to determine the role of this variant in disease conclusively. Therefore, this variant is classified as a Variant of Uncertain Significance.

This study involves interpretation of variants in research participants for the purpose of population health screening. Participant phenotype was not available at the time of variant classification. Additional details can be found in publication PMID: 35346344, PMCID: PMC8962531

Genome-Nilou Lab
Classification: Likely benign for Wilson disease. Last evaluated: 2021-08-10. Review status: criteria provided, single submitter. Criteria: ACMG Guidelines, 2015. Collection method: clinical testing. Allele origin: germline. Affected: no.

GeneDx
Classification: Likely benign. Last evaluated: 2021-03-25. Review status: criteria provided, single submitter. Criteria: GeneDx Variant Classification Process June 2021. Collection method: clinical testing. Allele origin: germline. Affected: yes.

Illumina Laboratory Services, Illumina
Classification: Uncertain significance for Wilson disease. Last evaluated: 2018-01-12. Review status: criteria provided, single submitter. Criteria: ICSL Variant Classification Criteria 13 December 2019. Collection method: clinical testing. Allele origin: germline.

Women's Health and Genetics/Laboratory Corporation of America, LabCorp
Classification: Uncertain significance. Last evaluated: 2016-06-28. Review status: criteria provided, single submitter. Criteria: LabCorp Variant Classification Summary - May 2015. Collection method: clinical testing. Allele origin: germline.
Comment: Variant summary: The c.c.3557-6C>T variant involves the alteration of a non-conserved nucleotide resulting in an intronic change. This variant is located at a position that is not widely known to affect splicing, 4/5 splicing prediction tools predict no significant effect on splicing, and Mutation Taster predicts the variant to be a polymorphism. This variant was found in 324/122184 control chromosomes, predominantly observed in the European (Non-Finnish) subpopulation at a frequency of 0.0037672 (250/66362). This subpopulation frequency is lower than the estimated maximal expected allele frequency of a pathogenic ATP7B variant (0.0054006), but is high enough to suggest that variant could possibly be a benign polymorphism. Additionally, the variant is regarded as a benign variant in literature (Thomas _1995; Mukherjee_2014) and in at least one database (University of Alberta WD database); however no definite evidence was provided to independently evaluate. These variants may explain WD phenotype, albeit phase of the variants would need to be assessed and c.1922T>C has not yet been classified as a disease variant. Taken together, this variant has been classified as a VUS-possibly benign.

PreventionGenetics, part of Exact Sciences
Classification: Likely benign. Review status: criteria provided, single submitter. Criteria: ACMG Guidelines, 2015. Collection method: clinical testing. Allele origin: germline.

Clinical Genetics DNA and cytogenetics Diagnostics Lab, Erasmus MC, Erasmus Medical Center
Classification: Likely benign. Review status: no assertion criteria provided. Collection method: clinical testing. Allele origin: germline. Affected: yes. Study: VKGL Data-share Consensus. Not counted in ClinVar's aggregate classification.

Diagnostic Laboratory, Department of Genetics, University Medical Center Groningen
Classification: Likely benign for Wilson disease. Review status: no assertion criteria provided. Collection method: clinical testing. Allele origin: germline. Affected: yes. Study: VKGL Data-share Consensus. Not counted in ClinVar's aggregate classification.

Genome Diagnostics Laboratory, Amsterdam University Medical Center
Classification: Benign. Review status: no assertion criteria provided. Collection method: clinical testing. Allele origin: germline. Affected: yes. Study: VKGL Data-share Consensus. Not counted in ClinVar's aggregate classification.

Genome Diagnostics Laboratory, University Medical Center Utrecht
Classification: Likely benign. Review status: no assertion criteria provided. Collection method: clinical testing. Allele origin: germline. Affected: yes. Study: VKGL Data-share Consensus. Not counted in ClinVar's aggregate classification.

Literature cited by the submitters: PubMed 24094725 (cited by All of Us Research Program, National Institutes of Health and Women's Health and Genetics/Laboratory Corporation of America, LabCorp); PubMed 7626145 (cited by Women's Health and Genetics/Laboratory Corporation of America, LabCorp); PubMed 23518715 (cited by Women's Health and Genetics/Laboratory Corporation of America, LabCorp); PubMed 16088907 (cited by Women's Health and Genetics/Laboratory Corporation of America, LabCorp).